The following is an entry in ClinVar:

NM_004793.4(LONP1):c.2488C>T (p.Pro830Ser)

Gene: LONP1 (lon peptidase 1, mitochondrial; minus strand). Cytogenetic location: 19p13.3.
Variant type: single nucleotide variant.
Coding change: c.2488C>T on transcript NM_004793.4 (MANE Select); coding-DNA position 2488, C replaced by T.
Protein change: p.Pro830Ser; replaces proline 830 with serine.
Molecular consequence: missense variant. On other transcripts: non-coding transcript variant (1).
Genome position (GRCh38, 1-based): chr19:5,693,602, G>A on the plus strand (C>T on the coding strand, the complement: LONP1 is on the minus strand). VCF-style: chr19-5693602-G-A. GRCh37 (hg19) VCF-style: chr19-5693613-G-A.
Other names: c.2296C>T, p.Pro766Ser (NM_001276479.2); c.1900C>T, p.Pro634Ser (NM_001276480.1); short protein forms P634S, P766S, P830S.
Identifiers: ClinVar variation 2413256 (VCV002413256.6), dbSNP rs1484060909, ClinGen allele CA403526049.
Genomic context (GRCh38, chr19:5,693,602, plus strand): 5'-GCGCGGTCACCTCGGGCACATGCAGGTGGATGTGTGAGGTCACCAGGTAGTCATTGGCGG[G>A]GGCGTGCTGCATGAGGAAGGCTCTGGCGAAGGTGTAGGCTATGCGGGCGCTCTCCTTCAT-3'
Protein context (NP_004784.2, residues 820-840): FARAFLMQHA[Pro830Ser]ANDYLVTSHI

ClinVar aggregate classification (germline): Uncertain significance (1 of 4 stars; one submission).

Allele frequency attached by ClinVar (database versions not stated): gnomAD exomes below 0.00001.
gnomAD v4.1: 3 of 1,614,104 alleles (0.00019%); highest among the groups gnomAD compares: Non-Finnish European, 0.00025%; no homozygotes.

Submission:

Labcorp Genetics (formerly Invitae), Labcorp
Classification: Uncertain significance. Last evaluated: 2022-08-08. Review status: criteria provided, single submitter. Criteria: Invitae Variant Classification Sherloc (09022015). Collection method: clinical testing. Allele origin: germline.
Comment: This variant has not been reported in the literature in individuals affected with LONP1-related conditions. This variant is present in population databases (no rsID available, gnomAD 0.007%). This sequence change replaces proline, which is neutral and non-polar, with serine, which is neutral and polar, at codon 830 of the LONP1 protein (p.Pro830Ser). In summary, the available evidence is currently insufficient to determine the role of this variant in disease. Therefore, it has been classified as a Variant of Uncertain Significance. Algorithms developed to predict the effect of missense changes on protein structure and function output the following: SIFT: "Deleterious"; PolyPhen-2: "Benign"; Align-GVGD: "Class C65". The serine amino acid residue is found in multiple mammalian species, which suggests that this missense change does not adversely affect protein function.